The following is an entry in ClinVar:

NM_000878.5(IL2RB):c.459A>C (p.Glu153Asp)

Gene: IL2RB (interleukin 2 receptor subunit beta; minus strand). Cytogenetic location: 22q12.3.
Variant type: single nucleotide variant.
Coding change: c.459A>C on transcript NM_000878.5 (MANE Select); coding-DNA position 459, A replaced by C.
Protein change: p.Glu153Asp; replaces glutamic acid 153 with aspartic acid.
Molecular consequence: missense variant.
Genome position (GRCh38, 1-based): chr22:37,137,665, T>G on the plus strand (A>C on the coding strand, the complement: IL2RB is on the minus strand). VCF-style: chr22-37137665-T-G. GRCh37 (hg19) VCF-style: chr22-37533705-T-G.
Other names: c.459A>C (NM_000878.4); c.459A>C, p.Glu153Asp (NM_001346222.1, NM_001346223.2); short protein forms E153D.
Identifiers: ClinVar variation 1645174 (VCV001645174.10), dbSNP rs149258462, ClinGen allele CA10216616.

ClinVar aggregate classification (germline): Conflicting classifications of pathogenicity. Review status: criteria provided, conflicting classifications (1 of 4 stars). 3 submissions from 3 submitters: Uncertain significance (1); Likely benign (2). Last evaluated 2025-12-20.

Conditions:
IL2RB-related disorder. Also called: IL2RB-related condition.

Allele frequency attached by ClinVar (database versions not stated): gnomAD exomes 0.00007 and 0.00022; ExAC 0.00028; 1000 Genomes Project 30x 0.00062; 1000 Genomes Project 0.00080; ESP Exome Variant Server 0.00085; gnomAD 0.00088 and 0.00096; TOPMed 0.00102.
gnomAD v4.1: 240 of 1,614,112 alleles (0.015%); highest among the groups gnomAD compares: African/African-American, 0.28%; 1 homozygote.

Submissions (3):

Labcorp Genetics (formerly Invitae), Labcorp
Classification: Likely benign. Last evaluated: 2025-12-20. Review status: criteria provided, single submitter. Criteria: Invitae Variant Classification Sherloc (09022015). Collection method: clinical testing. Allele origin: germline.

PreventionGenetics, part of Exact Sciences
Classification: Uncertain significance for IL2RB-related condition. Last evaluated: 2022-10-27. Review status: criteria provided, single submitter. Criteria: ACMG Guidelines, 2015. Collection method: clinical testing. Allele origin: germline.
Comment: The IL2RB c.459A>C variant is predicted to result in the amino acid substitution p.Glu153Asp. To our knowledge, this variant has not been reported in the literature. This variant is reported in 0.32% of alleles in individuals of African descent in gnomAD. At this time, the clinical significance of this variant is uncertain due to the absence of conclusive functional and genetic evidence.

Breakthrough Genomics
Classification: Likely benign. Review status: criteria provided, single submitter. Criteria: ACMG Guidelines, 2015. Collection method: not provided. Allele origin: germline. Inheritance: Autosomal recessive inheritance. Affected: yes.